The following is an entry in ClinVar:

NM_000059.4(BRCA2):c.7577_7580del (p.Ala2526fs)

Gene: BRCA2 (BRCA2 DNA repair associated; plus strand). Cytogenetic location: 13q13.1.
Variant type: Deletion.
Coding change: c.7577_7580del on transcript NM_000059.4 (MANE Select); coding-DNA positions 7577 to 7580, 4 bases deleted (CAGT; older notation c.7577_7580delCAGT).
Protein change: p.Ala2526fs; shifts the reading frame from alanine 2526.
Molecular consequence: frameshift variant. On other transcripts: non-coding transcript variant (1).
Genome position (GRCh38, 1-based): chr13:32,356,569-32,356,572, CAGT deleted. VCF-style (leftmost placement, unchanged base first): chr13-32356568-GCAGT-G. GRCh37 (hg19) VCF-style: chr13-32930705-GCAGT-G.
Other names: c.7481_7484del, p.Ala2494fs (NM_001406719.1); c.7577_7580del, p.Ala2526fs (NM_001406720.1); c.2645_2648del, p.Ala882fs (NM_001406721.1); c.1160_1163del, p.Ala387fs (NM_001406722.1); short protein forms A2494fs, A2526fs, A387fs, A882fs.
Identifiers: ClinVar variation 3075789 (VCV003075789.1), dbSNP rs2548541619, ClinGen allele CA2622571688.

ClinVar aggregate classification (germline): Likely pathogenic (1 of 4 stars; one submission).

Conditions:
Hereditary breast ovarian cancer syndrome. Also called: Hereditary breast and ovarian cancer syndrome; Hereditary breast and ovarian cancer; Hereditary breast and ovarian cancer syndrome (HBOC); Breast and ovarian cancer; Hereditary breast and/or ovarian cancer syndrome; BRCA1- and BRCA2-Associated Hereditary Breast and Ovarian Cancer. Identifiers: Orphanet 145, MedGen C0677776, MeSH D061325, MONDO:0003582. Disease mechanism: loss of function.

Allele frequency attached by ClinVar (database versions not stated): gnomAD exomes below 0.00001.

Submission:

Laboratory for Molecular Medicine, Mass General Brigham Personalized Medicine
Classification: Likely pathogenic for Hereditary breast ovarian cancer syndrome. Last evaluated: 2019-10-14. Review status: criteria provided, single submitter. Criteria: ACMG Guidelines, 2015. Collection method: clinical testing. Allele origin: germline.
Comment: The p.Ala2526GlufsX24 variant in BRCA2 has not been previously reported in individuals with hereditary breast and/or ovarian cancer (HBOC) and was absent from large population studies. This variant is predicted to cause a frameshift, which alters the protein’s amino acid sequence beginning at position 2526 and leads to a premature termination codon 24 amino acids downstream. This alteration is then predicted to lead to a truncated or absent protein. Loss of function of the BRCA2 gene is an established disease mechanism in autosomal dominant HBOC. In summary, although additional studies are required to fully establish its clinical significance, this variant meets criteria to be classified as likely pathogenic for autosomal dominant HBOC. ACMG/AMP Criteria applied: PVS1, PM2.